The following is an entry in ClinVar:

ClinVar aggregate classification (germline): Uncertain significance (1 of 4 stars; one submission).

Conditions:
Primary ciliary dyskinesia 28. Also called: CILIARY DYSKINESIA, PRIMARY, 28, WITH OR WITHOUT SITUS INVERSUS. Identifiers: Orphanet 244, MedGen C3809706, MONDO:0014216, OMIM 615505.

Allele frequency attached by ClinVar (database versions not stated): gnomAD 0.00002; TOPMed 0.00003.
gnomAD v4.1: 22 of 1,230,718 alleles (0.0018%); highest among the groups gnomAD compares: Non-Finnish European, 0.0018%; no homozygotes.

Submission:

Labcorp Genetics (formerly Invitae), Labcorp
Classification: Uncertain significance for Primary ciliary dyskinesia 28. Last evaluated: 2022-06-17. Review status: criteria provided, single submitter. Criteria: Invitae Variant Classification Sherloc (09022015). Collection method: clinical testing. Allele origin: germline.
Comment: In summary, the available evidence is currently insufficient to determine the role of this variant in disease. Therefore, it has been classified as a Variant of Uncertain Significance. Algorithms developed to predict the effect of missense changes on protein structure and function output the following: SIFT: "Tolerated"; PolyPhen-2: "Benign"; Align-GVGD: "Class C0". The proline amino acid residue is found in multiple mammalian species, which suggests that this missense change does not adversely affect protein function. This variant has not been reported in the literature in individuals affected with SPAG1-related conditions. The frequency data for this variant in the population databases is considered unreliable, as metrics indicate poor data quality at this position in the gnomAD database. This sequence change replaces arginine, which is basic and polar, with proline, which is neutral and non-polar, at codon 420 of the SPAG1 protein (p.Arg420Pro).

NM_003114.5(SPAG1):c.1259G>C (p.Arg420Pro)

Genes: SPAG1 (sperm associated antigen 1; plus strand), LOC130000832 (ATAC-STARR-seq lymphoblastoid silent region 19412; plus strand). Cytogenetic location: 8q22.2.
Variant type: single nucleotide variant.
Coding change: c.1259G>C on transcript NM_003114.5 (MANE Select); coding-DNA position 1259, G replaced by C.
Protein change: p.Arg420Pro; replaces arginine 420 with proline.
Molecular consequence: missense variant.
Genome position (GRCh38, 1-based): chr8:100,213,252, G>C. VCF-style: chr8-100213252-G-C. GRCh37 (hg19) VCF-style: chr8-101225480-G-C.
Other names: c.1259G>C, p.Arg420Pro (NM_001374321.1, NM_172218.3); short protein forms R420P.
Identifiers: ClinVar variation 2080076 (VCV002080076.2), dbSNP rs1034034879, ClinGen allele CA182382927.